The following is an entry in ClinVar:

NM_000443.4(ABCB4):c.2924+667C>G

Gene: ABCB4 (ATP binding cassette subfamily B member 4; minus strand). Cytogenetic location: 7q21.12.
Variant type: single nucleotide variant.
Coding change: c.2924+667C>G on transcript NM_000443.4 (MANE Select); 667 bases into the intron after coding-DNA position 2924, C replaced by G.
Molecular consequence: intron variant.
Genome position (GRCh38, 1-based): chr7:87,411,226, G>C on the plus strand (C>G on the coding strand, the complement: ABCB4 is on the minus strand). VCF-style: chr7-87411226-G-C. GRCh37 (hg19) VCF-style: chr7-87040542-G-C.
Other names: c.2784-1834C>G (NM_018850.3); c.2924+667C>G (NM_018849.3).
Identifiers: ClinVar variation 4885001 (VCV004885001.2).

ClinVar aggregate classification (germline): Uncertain significance (1 of 4 stars; one submission).

Submission:

Dasa
Classification: Uncertain significance. Last evaluated: 2026-03-27. Review status: criteria provided, single submitter. Criteria: DASA Assertion Criteria. Collection method: clinical testing. Allele origin: germline.
Comment: NM_000443.4(ABCB4):c.2924+667C>G is an intronic variant. This variant has been observed in affected individuals with ABCB4-related disorders. Also, this variant is absent from population databases. The currently available literature and clinical evidence are not sufficient to establish a definitive association between this variant and the reported condition. Therefore, this variant is classified as a variant of uncertain significance.